The following is an entry in ClinVar:

NM_152672.6(SLC51A):c.134-4C>T

Gene: SLC51A (solute carrier family 51 member A; plus strand). Cytogenetic location: 3q29.
Variant type: single nucleotide variant.
Coding change: c.134-4C>T on transcript NM_152672.6 (MANE Select); 4 bases into the intron before coding-DNA position 134, C replaced by T.
Molecular consequence: intron variant.
Genome position (GRCh38, 1-based): chr3:196,226,961, C>T. VCF-style: chr3-196226961-C-T. GRCh37 (hg19) VCF-style: chr3-195953832-C-T.
Identifiers: ClinVar variation 3049047 (VCV003049047.2), dbSNP rs374534021, ClinGen allele CA2778947.
Genomic context (GRCh38, chr3:196,226,961, plus strand): 5'-GAACAAGCCCAGGCCTTCTCCCGCTCAGTCCCGGTCGTCAGCTCTCTGCCTTCTCCTCCT[C>T]TAGCCCTGGGCCCTGTGGAACTTGCCCTCACTAGCATCCTGACCTTGCTGGCGCTGGGCT-3'

ClinVar aggregate classification (germline): Likely benign (0 of 4 stars; one submission).

Conditions:
SLC51A-related disorder. Also called: SLC51A-related condition.

Allele frequency attached by ClinVar (database versions not stated): ESP Exome Variant Server 0.00008; gnomAD 0.00008; ExAC 0.00012; TOPMed 0.00018.
gnomAD v4.1: 99 of 1,610,720 alleles (0.0061%); highest among the groups gnomAD compares: Admixed American, 0.057%; no homozygotes.

Submission:

PreventionGenetics, part of Exact Sciences
Classification: Likely benign for SLC51A-related condition. Last evaluated: 2024-02-22. Review status: no assertion criteria provided. Collection method: clinical testing. Allele origin: germline.
Comment: This variant is classified as likely benign based on ACMG/AMP sequence variant interpretation guidelines (Richards et al. 2015 PMID: 25741868, with internal and published modifications).